The following is an entry in ClinVar:

NM_002439.5(MSH3):c.3156dup (p.Val1053fs)

Gene: MSH3 (mutS homolog 3; plus strand). Cytogenetic location: 5q14.1.
Variant type: Duplication.
Coding change: c.3156dup on transcript NM_002439.5 (MANE Select); coding-DNA position 3156, one base duplicated (T; older notation c.3156dupT).
Protein change: p.Val1053fs; shifts the reading frame from valine 1053.
Molecular consequence: frameshift variant.
Genome position (GRCh38, 1-based): chr5:80,873,141, T duplicated; the last of 4 consecutive T bases (chr5:80,873,138-80,873,141); duplicating any one gives the same sequence. VCF-style (leftmost placement, unchanged base first): chr5-80873137-A-AT. GRCh37 (hg19) VCF-style: chr5-80168956-A-AT.
Other names: short protein forms V1053fs.
Identifiers: ClinVar variation 4294234 (VCV004294234.1).
Genomic context (GRCh38, chr5:80,873,137, plus strand): 5'-TTTCAGGCACAGTTTTGATCTCCTTTCTTTATTTCACAGGCGCAGCAGAACAAGTCCCTG[A>AT]TTTTGTCACCTTCCTTTACCAAATAACTAGAGGAATTGCAGCAAGGAGTTATGGATTAAA-3'

ClinVar aggregate classification (germline): Pathogenic (1 of 4 stars; one submission).

Conditions:
Familial adenomatous polyposis 4 (FAP4). Also called: MSH3-related attenuated familial adenomatous polyposis. Identifiers: Orphanet 480536, MedGen C4310719, MONDO:0044300, OMIM 617100.

Submission:

Myriad Genetics, Inc.
Classification: Pathogenic for Familial adenomatous polyposis 4. Last evaluated: 2025-07-16. Review status: criteria provided, single submitter. Criteria: Myriad Autosomal Dominant, Autosomal Recessive and X-Linked Classification Criteria (2023). Collection method: clinical testing. Allele origin: unknown.
Comment: This variant is considered pathogenic. This variant creates a frameshift predicted to result in premature protein truncation.